The following is an entry in ClinVar:

ClinVar aggregate classification (germline): Uncertain significance. Review status: criteria provided, multiple submitters, no conflicts (2 of 4 stars). 2 submissions from 2 submitters: Uncertain significance (2). Last evaluated 2025-10-29.

Conditions:
Hypertrophic cardiomyopathy. Also called: HYPERTROPHIC MYOCARDIOPATHY. Identifiers: Orphanet 217569, MedGen C0007194, MeSH D002312, MONDO:0005045, HP:0001639.

Allele frequency attached by ClinVar (database versions not stated): gnomAD exomes below 0.00001; TOPMed below 0.00001; gnomAD 0.00001.
gnomAD v4.1: 4 of 1,611,334 alleles (0.00025%); highest among the groups gnomAD compares: South Asian, 0.0033%; no homozygotes.

Submissions (2):

Labcorp Genetics (formerly Invitae), Labcorp
Classification: Uncertain significance for Hypertrophic cardiomyopathy. Last evaluated: 2025-10-29. Review status: criteria provided, single submitter. Criteria: Invitae Variant Classification Sherloc (09022015). Collection method: clinical testing. Allele origin: germline.
Comment: This sequence change replaces glutamic acid, which is acidic and polar, with lysine, which is basic and polar, at codon 1568 of the MYOM1 protein (p.Glu1568Lys). This variant is present in population databases (no rsID available, gnomAD 0.005%). This variant has not been reported in the literature in individuals affected with MYOM1-related conditions. ClinVar contains an entry for this variant (Variation ID: 1742559). Invitae Evidence Modeling of protein sequence and biophysical properties (such as structural, functional, and spatial information, amino acid conservation, physicochemical variation, residue mobility, and thermodynamic stability) has been performed for this missense variant. However, the output from this modeling did not meet the statistical confidence thresholds required to predict the impact of this variant on MYOM1 protein function. In summary, the available evidence is currently insufficient to determine the role of this variant in disease. Therefore, it has been classified as a Variant of Uncertain Significance.

Ambry Genetics
Classification: Uncertain significance. Last evaluated: 2021-07-07. Review status: criteria provided, single submitter. Criteria: Ambry Variant Classification Scheme 2023. Collection method: clinical testing. Allele origin: germline.
Comment: The p.E1568K variant (also known as c.4702G>A), located in coding exon 35 of the MYOM1 gene, results from a G to A substitution at nucleotide position 4702. The glutamic acid at codon 1568 is replaced by lysine, an amino acid with similar properties. This amino acid position is conserved. In addition, this alteration is predicted to be deleterious by in silico analysis. Since supporting evidence is limited at this time, the clinical significance of this alteration remains unclear.

NM_003803.4(MYOM1):c.4702G>A (p.Glu1568Lys)

Gene: MYOM1 (myomesin 1; minus strand). Cytogenetic location: 18p11.31.
Variant type: single nucleotide variant.
Coding change: c.4702G>A on transcript NM_003803.4 (MANE Select); coding-DNA position 4702, G replaced by A.
Protein change: p.Glu1568Lys; replaces glutamic acid 1568 with lysine.
Molecular consequence: missense variant.
Genome position (GRCh38, 1-based): chr18:3,075,460, C>T on the plus strand (G>A on the coding strand, the complement: MYOM1 is on the minus strand). VCF-style: chr18-3075460-C-T. GRCh37 (hg19) VCF-style: chr18-3075458-C-T.
Other names: c.4414G>A, p.Glu1472Lys (NM_019856.2); short protein forms E1472K, E1568K.
Identifiers: ClinVar variation 1742559 (VCV001742559.3), dbSNP rs1479996583, ClinGen allele CA401707345.
Genomic context (GRCh38, chr18:3,075,460, plus strand): 5'-CTTTTGAATCTATCCCAGGAGTACTTGTGAAAAGTAAAAAAAAAGTTTACTTACTTTTCT[C>T]GGCAATGGCAGCTTGTCTGTGGTTGAGAGAAACGAACAAACAGACGAAGAATTTTGTGTT-3'
Protein context (NP_003794.3, residues 1558-1578): FQRLKQAAIA[Glu1568Lys]KNRARVLGGL